The following is an entry in ClinVar:

ClinVar aggregate classification (germline): Uncertain significance (1 of 4 stars; one submission).

Conditions:
Perlman syndrome (PRLMNS). Identifiers: Orphanet 2849, MedGen C0796113, MONDO:0009965, OMIM 267000.

Allele frequency attached by ClinVar (database versions not stated): TOPMed 0.00001.
gnomAD v4.1: 1 of 1,613,998 alleles (0.000062%); no homozygotes.

Submission:

Labcorp Genetics (formerly Invitae), Labcorp
Classification: Uncertain significance for Perlman syndrome. Last evaluated: 2022-06-10. Review status: criteria provided, single submitter. Criteria: Invitae Variant Classification Sherloc (09022015). Collection method: clinical testing. Allele origin: germline.
Comment: This variant is not present in population databases (gnomAD no frequency). This sequence change replaces aspartic acid, which is acidic and polar, with glycine, which is neutral and non-polar, at codon 58 of the DIS3L2 protein (p.Asp58Gly). This variant has not been reported in the literature in individuals affected with DIS3L2-related conditions. In summary, the available evidence is currently insufficient to determine the role of this variant in disease. Therefore, it has been classified as a Variant of Uncertain Significance. Algorithms developed to predict the effect of sequence changes on RNA splicing suggest that this variant may disrupt the consensus splice site. Algorithms developed to predict the effect of missense changes on protein structure and function (SIFT, PolyPhen-2, Align-GVGD) all suggest that this variant is likely to be tolerated. ClinVar contains an entry for this variant (Variation ID: 933828).

NM_152383.5(DIS3L2):c.173A>G (p.Asp58Gly)

Gene: DIS3L2 (DIS3 like 3'-5' exoribonuclease 2; plus strand). Cytogenetic location: 2q37.1.
Variant type: single nucleotide variant.
Coding change: c.173A>G on transcript NM_152383.5 (MANE Select); coding-DNA position 173, A replaced by G.
Protein change: p.Asp58Gly; replaces aspartic acid 58 with glycine.
Molecular consequence: missense variant. On other transcripts: non-coding transcript variant (2).
Genome position (GRCh38, 1-based): chr2:232,015,634, A>G. VCF-style: chr2-232015634-A-G. GRCh37 (hg19) VCF-style: chr2-232880344-A-G.
Other names: c.173A>G, p.Asp58Gly (NM_001257281.2, NM_001257282.2); short protein forms D58G.
Identifiers: ClinVar variation 933828 (VCV000933828.9), dbSNP rs981586581, ClinGen allele CA67499255.